The following is an entry in ClinVar:

ClinVar aggregate classification (germline): Likely pathogenic (1 of 4 stars; one submission).

Conditions:
Genitopatellar syndrome (GTPTS). Also called: Genitopatellar syndrome (GPS); ABSENT PATELLAE, SCROTAL HYPOPLASIA, RENAL ANOMALIES, FACIAL DYSMORPHISM, AND MENTAL RETARDATION. Identifiers: Orphanet 85201, MedGen C1853566, MONDO:0011640, OMIM 606170.
Blepharophimosis - intellectual disability syndrome, SBBYS type (SBBYSS). Also called: Say-Barber-Biesecker variant of Ohdo syndrome (SBBYSS); Say-Barber-Biesecker-Young-Simpson variant of Ohdo Syndrome; Say-Barber-Biesecker Variant of Ohdo Syndrome; Ohdo syndrome, SBBYS variant; SBBYSS syndrome; Say-Barber-Biesecker-Young-Simpson syndrome. Identifiers: Orphanet 3047, MedGen C1863557, MONDO:0011365, OMIM 603736.

Submission:

Juno Genomics, Hangzhou Juno Genomics, Inc
Classification: Likely pathogenic for Genitopatellar syndrome; Blepharophimosis - intellectual disability syndrome, SBBYS type. Review status: criteria provided, single submitter. Criteria: ACMG Guidelines, 2015. Collection method: clinical testing. Allele origin: germline. Affected: yes.
Comment: Absent from controls (or at extremely low frequency if recessive) in Genome Aggregation Database, Exome Sequencing Project, 1000 Genomes Project, or Exome Aggregation Consortium.;Null variant in a gene where loss of function (LOF) is a known mechanism of disease.;Assumed de novo, but without confirmation of paternity and maternity.

NM_012330.4(KAT6B):c.3372+2T>A

Gene: KAT6B (lysine acetyltransferase 6B; plus strand). Cytogenetic location: 10q22.2.
Variant type: single nucleotide variant.
Coding change: c.3372+2T>A on transcript NM_012330.4 (MANE Select); the canonical splice donor site of the intron after coding-DNA position 3372, T replaced by A.
Molecular consequence: splice donor variant.
Genome position (GRCh38, 1-based): chr10:75,022,233, T>A. VCF-style: chr10-75022233-T-A. GRCh37 (hg19) VCF-style: chr10-76781991-T-A.
Other names: c.2496+2T>A (NM_001370139.1, NM_001370140.1, NM_001370141.1 and 2 more transcripts); c.3372+2T>A (NM_001370136.1, NM_001370137.1); c.2823+2T>A (NM_001370138.1, NM_001256468.2); c.1683+2T>A (NM_001370133.1); c.1287+2T>A (NM_001370134.1); c.2307+2T>A (NM_001370143.1, NM_001370144.1); c.2334+2T>A (NM_001370132.1); c.1029+2T>A (NM_001370135.1).
Identifiers: ClinVar variation 3382337 (VCV003382337.2).